The following is an entry in ClinVar:

NM_014112.5(TRPS1):c.1706T>C (p.Ile569Thr)

Gene: TRPS1 (transcriptional repressor GATA binding 1; minus strand). Cytogenetic location: 8q23.3.
Variant type: single nucleotide variant.
Coding change: c.1706T>C on transcript NM_014112.5 (MANE Select); coding-DNA position 1706, T replaced by C.
Protein change: p.Ile569Thr; replaces isoleucine 569 with threonine.
Molecular consequence: missense variant.
Genome position (GRCh38, 1-based): chr8:115,604,263, A>G on the plus strand (T>C on the coding strand, the complement: TRPS1 is on the minus strand). VCF-style: chr8-115604263-A-G. GRCh37 (hg19) VCF-style: chr8-116616490-A-G.
Other names: c.1679T>C, p.Ile560Thr (NM_001282902.3); c.1685T>C, p.Ile562Thr (NM_001282903.3); c.1667T>C, p.Ile556Thr (NM_001330599.2); short protein forms I556T, I560T, I562T, I569T.
Identifiers: ClinVar variation 1314590 (VCV001314590.2), dbSNP rs2130491464, ClinGen allele CA372066803.

ClinVar aggregate classification (germline): Uncertain significance (1 of 4 stars; one submission).

Allele frequency attached by ClinVar (database versions not stated): gnomAD exomes below 0.00001.
gnomAD v4.1: 1 of 1,614,108 alleles (0.000062%); highest among the groups gnomAD compares: Non-Finnish European, 0.000085%; no homozygotes.

Submission:

GeneDx
Classification: Uncertain significance. Last evaluated: 2021-04-15. Review status: criteria provided, single submitter. Criteria: GeneDx Variant Classification Process June 2021. Collection method: clinical testing. Allele origin: germline. Affected: yes.
Comment: Not observed in large population cohorts (Lek et al., 2016); In silico analysis supports that this missense variant does not alter protein structure/function; Has not been previously published as pathogenic or benign to our knowledge